The following is an entry in ClinVar:

ClinVar aggregate classification (germline): Likely benign (1 of 4 stars; one submission).

Allele frequency attached by ClinVar (database versions not stated): ExAC 0.00003; TOPMed 0.00011; gnomAD 0.00014; gnomAD exomes 0.00022.
gnomAD v4.1: 337 of 1,613,926 alleles (0.021%); highest among the groups gnomAD compares: Non-Finnish European, 0.028%; no homozygotes.

Submission:

CeGaT Center for Human Genetics Tuebingen
Classification: Likely benign. Last evaluated: 2022-03-01. Review status: criteria provided, single submitter. Criteria: CeGaT Center For Human Genetics Tuebingen Variant Classification Criteria Version 2. Collection method: clinical testing. Allele origin: germline. Affected: yes. Observed: 1 variant allele.
Comment: PLCD4: BP4, BP7

NM_032726.4(PLCD4):c.2007G>A (p.Gln669=)

Genes: PLCD4 (phospholipase C delta 4; plus strand), ZNF142 (zinc finger protein 142; minus strand). Cytogenetic location: 2q35.
Variant type: single nucleotide variant.
Coding change: c.2007G>A on transcript NM_032726.4 (MANE Select); coding-DNA position 2007, G replaced by A.
Protein change: p.Gln669=; no amino-acid change (glutamine 669 retained).
Molecular consequence: synonymous variant. On other transcripts: 3 prime UTR variant (5).
Genome position (GRCh38, 1-based): chr2:218,635,906, G>A. VCF-style: chr2-218635906-G-A. GRCh37 (hg19) VCF-style: chr2-219500629-G-A.
Other names: c.*2433C>T (NM_001366290.3, NM_001379659.1, NM_001379660.1 and 2 more transcripts).
Identifiers: ClinVar variation 2651884 (VCV002651884.24), dbSNP rs762952324, ClinGen allele CA2108371.